The following is an entry in ClinVar:

NM_001080517.3(SETD5):c.698T>C (p.Leu233Pro)

Gene: SETD5 (SET domain containing 5; plus strand). Cytogenetic location: 3p25.3.
Variant type: single nucleotide variant.
Coding change: c.698T>C on transcript NM_001080517.3 (MANE Select); coding-DNA position 698, T replaced by C.
Protein change: p.Leu233Pro; replaces leucine 233 with proline.
Molecular consequence: missense variant.
Genome position (GRCh38, 1-based): chr3:9,440,586, T>C. VCF-style: chr3-9440586-T-C. GRCh37 (hg19) VCF-style: chr3-9482270-T-C.
Other names: c.404T>C, p.Leu135Pro (NM_001292043.2, NM_001349451.2); c.794T>C, p.Leu265Pro (NM_001437633.1); c.755T>C, p.Leu252Pro (NM_001437635.1); c.698T>C, p.Leu233Pro (NM_001437643.1); c.737T>C, p.Leu246Pro (NM_001437701.1); short protein forms L233P, L265P, L135P, L246P, L252P.
Identifiers: ClinVar variation 4838758 (VCV004838758.1).
Genomic context (GRCh38, chr3:9,440,586, plus strand): 5'-GGACTGACCAGTATGAAGAAGCTTTCACTAATCAGTACAGTGCAGATGTACAGAACGCGC[T>C]TGAACAACACCTACATTCTAGCAAGGAATTTGTGGGCAAACCTACTATTTTAGACACTAT-3'
Protein context (NP_001073986.1, residues 223-243): NQYSADVQNA[Leu233Pro]EQHLHSSKEF

ClinVar aggregate classification (germline): Likely pathogenic (1 of 4 stars; one submission).

Conditions:
Inborn genetic diseases. Identifiers: MedGen C0950123, MeSH D030342.

Submission:

Ambry Genetics
Classification: Likely pathogenic for Inborn genetic diseases. Last evaluated: 2026-01-13. Review status: criteria provided, single submitter. Criteria: Ambry Variant Classification Scheme 2023. Collection method: clinical testing. Allele origin: germline.
Comment: The c.698T>C (p.L233P) alteration is located in exon 8 (coding exon 6) of the SETD5 gene. This alteration results from a T to C substitution at nucleotide position 698, causing the leucine (L) at amino acid position 233 to be replaced by a proline (P). This variant was not reported in population-based cohorts in the Genome Aggregation Database (gnomAD). This amino acid position is highly conserved in available vertebrate species. This alteration is predicted to be deleterious by in silico analysis. Based on the available evidence, this alteration is classified as likely pathogenic.